The following is an entry in ClinVar:

ClinVar aggregate classification (germline): VUS-mid (0 of 4 stars; one submission).

Conditions:
Spermatogenic failure 6 (SPGF6). Also called: ACROSOME MALFORMATION OF SPERMATOZOA; ROUND-HEADED SPERMATOZOA. Identifiers: Orphanet 171709, MedGen C4225503, MONDO:0007060, OMIM 102530.

Submission:

Universidad de Murcia, Dpto Biología Celular e Histología, Universidad de Murcia
Classification: VUS-mid for Spermatogenic failure 6. Last evaluated: 2025-12-23. Review status: no assertion criteria provided. Collection method: clinical testing. Allele origin: paternal. Inheritance: Autosomal recessive inheritance. Affected: yes. Observed: 1 variant allele, 1 heterozygote.
Comment: This sequence change, c.1290del (p.Lys431fs), results in a frameshift and a premature stop codon, leading to a truncated protein of 444 amino acids (p.Lys431Serfs*15). The truncation removes the last 125 amino acids of the protein.

Literature cited by the submitters: PubMed 17847006; PubMed 27086357.

NM_031955.6(SPATA16):c.1290del (p.Lys431fs)

Gene: SPATA16 (spermatogenesis associated 16; minus strand). Cytogenetic location: 3q26.31.
Variant type: Deletion.
Coding change: c.1290del on transcript NM_031955.6 (MANE Select); coding-DNA position 1290, one base deleted (G; older notation c.1290delG).
Protein change: p.Lys431fs; shifts the reading frame from lysine 431.
Molecular consequence: frameshift variant.
Genome position (GRCh38, 1-based): chr3:172,924,256, C deleted on the plus strand (G on the coding strand, the reverse complement: SPATA16 is on the minus strand); the first of 4 consecutive C bases (chr3:172,924,256-172,924,259); deleting any one gives the same sequence. VCF-style (leftmost placement, unchanged base first): chr3-172924255-TC-T. GRCh37 (hg19) VCF-style: chr3-172642045-TC-T.
Other names: short protein forms K431fs.
Identifiers: ClinVar variation 4813681 (VCV004813681.1).